The following is an entry in ClinVar:

ClinVar aggregate classification (germline): Uncertain significance (1 of 4 stars; one submission).

Submission:

Labcorp Genetics (formerly Invitae), Labcorp
Classification: Uncertain significance. Last evaluated: 2022-12-08. Review status: criteria provided, single submitter. Criteria: Invitae Variant Classification Sherloc (09022015). Collection method: clinical testing. Allele origin: germline.
Comment: In summary, the available evidence is currently insufficient to determine the role of this variant in disease. Therefore, it has been classified as a Variant of Uncertain Significance. Advanced modeling of protein sequence and biophysical properties (such as structural, functional, and spatial information, amino acid conservation, physicochemical variation, residue mobility, and thermodynamic stability) performed at Invitae indicates that this missense variant is expected to disrupt TTLL5 protein function. This variant has not been reported in the literature in individuals affected with TTLL5-related conditions. This variant is not present in population databases (gnomAD no frequency). This sequence change replaces lysine, which is basic and polar, with asparagine, which is neutral and polar, at codon 221 of the TTLL5 protein (p.Lys221Asn).

NM_015072.5(TTLL5):c.663G>T (p.Lys221Asn)

Gene: TTLL5 (tubulin tyrosine ligase like 5; plus strand). Cytogenetic location: 14q24.3.
Variant type: single nucleotide variant.
Coding change: c.663G>T on transcript NM_015072.5 (MANE Select); coding-DNA position 663, G replaced by T.
Protein change: p.Lys221Asn; replaces lysine 221 with asparagine.
Molecular consequence: missense variant.
Genome position (GRCh38, 1-based): chr14:75,707,630, G>T. VCF-style: chr14-75707630-G-T. GRCh37 (hg19) VCF-style: chr14-76173973-G-T.
Other names: short protein forms K221N.
Identifiers: ClinVar variation 2819360 (VCV002819360.3), dbSNP rs2503036964, ClinGen allele CA390457001.